The following is an entry in ClinVar:

ClinVar aggregate classification (germline): Conflicting classifications of pathogenicity. Review status: criteria provided, conflicting classifications (1 of 4 stars). 2 submissions from 2 submitters: Uncertain significance (1); Likely benign (1). Last evaluated 2025-07-01.

Conditions:
Inborn genetic diseases. Identifiers: MedGen C0950123, MeSH D030342.

gnomAD v4.1: 54 of 1,598,676 alleles (0.0034%); highest among the groups gnomAD compares: Non-Finnish European, 0.0043%; no homozygotes.

Submissions (2):

CeGaT Center for Human Genetics Tuebingen
Classification: Likely benign. Last evaluated: 2025-07-01. Review status: criteria provided, single submitter. Criteria: CeGaT Center For Human Genetics Tuebingen Variant Classification Criteria Version 2. Collection method: clinical testing. Allele origin: germline. Affected: yes. Observed: 1 variant allele.
Comment: SETD1A: BS2

Ambry Genetics
Classification: Uncertain significance for Inborn genetic diseases. Last evaluated: 2024-12-12. Review status: criteria provided, single submitter. Criteria: Ambry Variant Classification Scheme 2023. Collection method: clinical testing. Allele origin: germline.

NM_014712.3(SETD1A):c.2623A>G (p.Ile875Val)

Gene: SETD1A (SET domain containing 1A, histone lysine methyltransferase; plus strand). Cytogenetic location: 16p11.2.
Variant type: single nucleotide variant.
Coding change: c.2623A>G on transcript NM_014712.3 (MANE Select); coding-DNA position 2623, A replaced by G.
Protein change: p.Ile875Val; replaces isoleucine 875 with valine.
Molecular consequence: missense variant.
Genome position (GRCh38, 1-based): chr16:30,967,001, A>G. VCF-style: chr16-30967001-A-G. GRCh37 (hg19) VCF-style: chr16-30978322-A-G.
Other names: short protein forms I875V.
Identifiers: ClinVar variation 3794582 (VCV003794582.9).